The following is an entry in ClinVar:

ClinVar aggregate classification (germline): Pathogenic. Review status: criteria provided, multiple submitters, no conflicts (2 of 4 stars). 3 submissions from 3 submitters: Pathogenic (3). Last evaluated 2024-05-02.

Conditions:
Autosomal dominant Alport syndrome (ATS3A). Also called: ALPORT SYNDROME 3A, AUTOSOMAL DOMINANT; Alport syndrome dominant type; Renal failure and sensorineural hearing loss. Identifiers: Orphanet 63, Orphanet 88918, MedGen C5882663, MONDO:0007086, OMIM 104200.
Autosomal recessive Alport syndrome (ATS2). Also called: Alport syndrome type 2; COL4A3-Related Nephropathy; ALPORT SYNDROME 2, AUTOSOMAL RECESSIVE; COL4A4 Alport Syndrome and Thin Basement Membrane Nephropathy. Identifiers: Orphanet 63, Orphanet 88919, MedGen C4746745, MONDO:0008762, OMIM 203780.
Benign familial hematuria. Also called: thin basement membrane disease. Identifiers: MedGen C0241908, MONDO:0957317.
Alport syndrome. Also called: Hemorrhagic familial nephritis; Hemorrhagic hereditary nephritis; Congenital hereditary hematuria. Identifiers: Orphanet 63, MedGen C1567741, MONDO:0018965.

Submissions (3):

Natera, Inc.
Classification: Pathogenic for Alport syndrome. Last evaluated: 2024-05-02. Review status: criteria provided, single submitter. Criteria: Natera Variant Classification Schema (03/2026). Collection method: clinical testing. Allele origin: germline.
Comment: The c.2916_2917delAG variant in COL4A3 is a frameshift variant predicted to shift the reading frame beginning at codon 973 and leads to a stop codon 53 codons downstream. This variant is expected to result in nonsense mediated decay, truncation, or a dysfunctional protein product. This variant is rare in the general population with a frequency below the threshold expected for the associated phenotype(s). This variant has been observed in one or more individuals affected with the associated recessive disease, as either homozygous or compound heterozygous with a second variant (PMID: 25307543). Given the available evidence, this variant is classified as Pathogenic.

Labcorp Genetics (formerly Invitae), Labcorp
Classification: Pathogenic. Last evaluated: 2023-08-18. Review status: criteria provided, single submitter. Criteria: Invitae Variant Classification Sherloc (09022015). Collection method: clinical testing. Allele origin: germline.
Comment: For these reasons, this variant has been classified as Pathogenic. This variant is also known as c.2914_2915delAG. This premature translational stop signal has been observed in individual(s) with clinical features of Alport syndrome (PMID: 25307543). This variant is present in population databases (no rsID available, gnomAD 0.0009%). This sequence change creates a premature translational stop signal (p.Gly973Argfs*53) in the COL4A3 gene. It is expected to result in an absent or disrupted protein product. Loss-of-function variants in COL4A3 are known to be pathogenic (PMID: 8956999, 24854265, 26809805, 27281700).

Fulgent Genetics
Classification: Pathogenic for Autosomal dominant Alport syndrome; Hematuria, benign familial, 1; Autosomal recessive Alport syndrome. Last evaluated: 2022-04-05. Review status: criteria provided, single submitter. Criteria: ACMG Guidelines, 2015. Collection method: clinical testing. Allele origin: unknown.

Literature cited by the submitters: PubMed 25307543 (cited by Natera, Inc. and Labcorp Genetics (formerly Invitae), Labcorp); PubMed 8956999 (cited by Labcorp Genetics (formerly Invitae), Labcorp); PubMed 24854265 (cited by Labcorp Genetics (formerly Invitae), Labcorp); PubMed 26809805 (cited by Labcorp Genetics (formerly Invitae), Labcorp); PubMed 27281700 (cited by Labcorp Genetics (formerly Invitae), Labcorp).

NM_000091.5(COL4A3):c.2916_2917del (p.Gly973fs)

Genes: COL4A3 (collagen type IV alpha 3 chain; plus strand), MFF-DT (MFF divergent transcript; minus strand). Cytogenetic location: 2q36.3.
Variant type: Microsatellite.
Coding change: c.2916_2917del on transcript NM_000091.5 (MANE Select); coding-DNA positions 2916 to 2917, 2 bases deleted (AG; older notation c.2916_2917delAG).
Protein change: p.Gly973fs; shifts the reading frame from glycine 973.
Molecular consequence: frameshift variant.
Genome position (GRCh38, 1-based): chr2:227,289,184-227,289,185, AG deleted; deleting any 2 consecutive bases within chr2:227,289,182-227,289,185 gives the same sequence; the c. name uses the placement nearest the transcript's 3' end. VCF-style (leftmost placement, unchanged base first): chr2-227289181-CAG-C. GRCh37 (hg19) VCF-style: chr2-228153897-CAG-C.
Other names: c.2916_2917delAG (NM_000091.4); short protein forms G973fs.
Identifiers: ClinVar variation 1447909 (VCV001447909.10), dbSNP rs1559904445, ClinGen allele CA539901866.
Genomic context (GRCh38, chr2:227,289,181, plus strand): 5'-TCTTGTTAATACCTGGTTTCTAACTTCAGGATTCGCAGGAAATCCAGGTGAGAAAGGAAA[CAG>C]AGGCGTTCCAGGGATGCCAGGTTTAAAGGGCCTCAAAGGACTACCCGGACCAGCAGGACC-3'